The following is an entry in ClinVar:

NM_002691.4(POLD1):c.1384-14A>C

Gene: POLD1 (DNA polymerase delta 1, catalytic subunit; plus strand). Cytogenetic location: 19q13.33.
Variant type: single nucleotide variant.
Coding change: c.1384-14A>C on transcript NM_002691.4 (MANE Select); 14 bases into the intron before coding-DNA position 1384, A replaced by C.
Molecular consequence: intron variant.
Genome position (GRCh38, 1-based): chr19:50,406,393, A>C. VCF-style: chr19-50406393-A-C. GRCh37 (hg19) VCF-style: chr19-50909650-A-C.
Other names: c.1384-14A>C (NM_001256849.1, NM_001308632.1).
Identifiers: ClinVar variation 3076176 (VCV003076176.2), dbSNP rs2513994179, ClinGen allele CA645509046.

ClinVar aggregate classification (germline): Conflicting classifications of pathogenicity. Review status: criteria provided, conflicting classifications (1 of 4 stars). 2 submissions from 2 submitters: Uncertain significance (1); Likely benign (1). Last evaluated 2025-02-06.

Conditions:
Hereditary cancer-predisposing syndrome. Also called: Tumor predisposition; Neoplastic Syndromes, Hereditary; Hereditary Cancer Syndrome; Hereditary neoplastic syndrome. Identifiers: Orphanet 140162, MedGen C0027672, MeSH D009386, MONDO:0015356.
POLD1-related polyposis and colorectal cancer syndrome (CRCS10). Also called: Colorectal cancer 10; COLORECTAL CANCER, SUSCEPTIBILITY TO, ON CHROMOSOME 19q; Colorectal cancer, susceptibility to, 10. Identifiers: Orphanet 220460, MedGen C2675481, MONDO:0012953, OMIM 612591.

Submissions (2):

Myriad Genetics, Inc.
Classification: Likely benign for POLD1-related polyposis and colorectal cancer syndrome. Last evaluated: 2025-02-06. Review status: criteria provided, single submitter. Criteria: Myriad Autosomal Dominant, Autosomal Recessive and X-Linked Classification Criteria (2023). Collection method: clinical testing. Allele origin: unknown.
Comment: This variant is considered likely benign. This variant is intronic and is not expected to impact mRNA splicing.

Ambry Genetics
Classification: Uncertain significance for Hereditary cancer-predisposing syndrome. Last evaluated: 2016-10-26. Review status: criteria provided, single submitter. Criteria: Ambry Variant Classification Scheme 2023. Collection method: clinical testing. Allele origin: germline.
Comment: The c.1384-14A>C intronic alteration consists of a A to C substitution 14 nucleotides before coding exon 11 in the POLD1 gene. Based on insufficient or conflicting evidence, the clinical significance of this alteration remains unclear.